The following is an entry in ClinVar:

NM_000465.4(BARD1):c.986C>G (p.Ser329Cys)

Gene: BARD1 (BRCA1 associated RING domain 1; minus strand). Cytogenetic location: 2q35.
Variant type: single nucleotide variant.
Coding change: c.986C>G on transcript NM_000465.4 (MANE Select); coding-DNA position 986, C replaced by G.
Protein change: p.Ser329Cys; replaces serine 329 with cysteine.
Molecular consequence: missense variant. On other transcripts: non-coding transcript variant (2), intron variant (3).
Genome position (GRCh38, 1-based): chr2:214,780,888, G>C on the plus strand (C>G on the coding strand, the complement: BARD1 is on the minus strand). VCF-style: chr2-214780888-G-C. GRCh37 (hg19) VCF-style: chr2-215645612-G-C.
Other names: c.929C>G, p.Ser310Cys (NM_001282543.2); c.159-28333C>G (NM_001282548.2); c.215+16173C>G (NM_001282545.2); c.364+11409C>G (NM_001282549.2); short protein forms S329C, S310C.
Identifiers: ClinVar variation 479115 (VCV000479115.25), dbSNP rs905626929, ClinGen allele CA64788355.

ClinVar aggregate classification (germline): Conflicting classifications of pathogenicity. Review status: criteria provided, conflicting classifications (1 of 4 stars). 10 submissions from 10 submitters: Uncertain significance (8); Likely benign (1). 1 of the submissions does not count toward it. Last evaluated 2026-03-20.

Conditions:
Hereditary cancer-predisposing syndrome. Also called: Neoplastic Syndromes, Hereditary; Tumor predisposition; Hereditary neoplastic syndrome; Hereditary Cancer Syndrome. Identifiers: Orphanet 140162, MedGen C0027672, MeSH D009386, MONDO:0015356.
Familial cancer of breast. Also called: BREAST CANCER, FAMILIAL; Hereditary breast cancer; hereditary breast carcinoma. Identifiers: Orphanet 227535, MedGen C0346153, MONDO:0016419, OMIM 114480. Disease mechanism: loss of function.
Malignant tumor of breast. Also called: Malignant breast neoplasm; Cancer breast. Identifiers: MedGen C0006142, MONDO:0007254. Disease mechanism: loss of function.

Allele frequency attached by ClinVar (database versions not stated): gnomAD 0.00001; TOPMed 0.00001.
gnomAD v4.1: 8 of 1,613,998 alleles (0.0005%); highest among the groups gnomAD compares: Admixed American, 0.0017%; no homozygotes.

Submissions (10):

Women's Health and Genetics/Laboratory Corporation of America, LabCorp
Classification: Uncertain significance. Last evaluated: 2026-03-20. Review status: criteria provided, single submitter. Criteria: LabCorp Variant Classification Summary - May 2015. Collection method: clinical testing. Allele origin: germline.
Comment: Variant summary: BARD1 c.986C>G (p.Ser329Cys) results in a non-conservative amino acid change in the encoded protein sequence. Algorithms developed to predict the effect of missense changes on protein structure and function are either unavailable or do not agree on the potential impact of this missense change. The variant was absent in 251068 control chromosomes. The available data on variant occurrences in the general population are insufficient to allow any conclusion about variant significance. c.986C>G has been observed in at least one individual with a personal history of breast cancer and family history of ovarian cancer, who had co-occurrences including a pathogenic BRCA1 variant (example: de Oliveira_2022). This report does not provide unequivocal conclusions about association of the BARD1 variant with Hereditary Breast And Ovarian Cancer Syndrome. To our knowledge, no experimental evidence demonstrating an impact on protein function has been reported. The following publication has been ascertained in the context of this evaluation (PMID: 35534704). ClinVar contains an entry for this variant (Variation ID: 479115). Based on the evidence outlined above, the variant was classified as uncertain significance.

Labcorp Genetics (formerly Invitae), Labcorp
Classification: Uncertain significance for Familial cancer of breast. Last evaluated: 2026-01-12. Review status: criteria provided, single submitter. Criteria: Invitae Variant Classification Sherloc (09022015). Collection method: clinical testing. Allele origin: germline.
Comment: This sequence change replaces serine, which is neutral and polar, with cysteine, which is neutral and slightly polar, at codon 329 of the BARD1 protein (p.Ser329Cys). This variant is not present in population databases (gnomAD no frequency). This missense change has been observed in individual(s) with breast cancer and ovarian cancer (PMID: 35534704). ClinVar contains an entry for this variant (Variation ID: 479115). An algorithm developed to predict the effect of missense changes on protein structure and function (PolyPhen-2) suggests that this variant is likely to be disruptive. In summary, the available evidence is currently insufficient to determine the role of this variant in disease. Therefore, it has been classified as a Variant of Uncertain Significance.

Dasa
Classification: Uncertain significance. Last evaluated: 2025-12-01. Review status: criteria provided, single submitter. Criteria: DASA Assertion Criteria. Collection method: clinical testing. Allele origin: germline.
Comment: NM_000465.4(BARD1):c.986C>G (p.Ser329Cys) is a missense variant that results in the substitution of serine with cysteine. This variant is rare in population databases. Computational prediction algorithms are consistent with a benign effect. The currently available literature and clinical evidence are not sufficient to establish a definitive association between this variant and the reported condition. Therefore, this variant is classified as a variant of uncertain significance.

Ambry Genetics
Classification: Likely benign for Hereditary cancer-predisposing syndrome. Last evaluated: 2025-01-25. Review status: criteria provided, single submitter. Criteria: Ambry Variant Classification Scheme 2023. Collection method: clinical testing. Allele origin: germline.

Baylor Genetics
Classification: Uncertain significance for Familial cancer of breast. Last evaluated: 2023-10-29. Review status: criteria provided, single submitter. Criteria: ACMG Guidelines, 2015. Collection method: clinical testing. Allele origin: unknown.

Laboratorio de Genetica e Diagnostico Molecular, Hospital Israelita Albert Einstein
Classification: Uncertain significance for Familial cancer of breast. Last evaluated: 2022-05-27. Review status: criteria provided, single submitter. Criteria: ACMG Guidelines, 2015. Collection method: clinical testing. Allele origin: germline. Affected: yes. Observed: 1 variant allele.
Comment: ACMG classification criteria: PM2 moderated, BP4 supporting

Quest Diagnostics Nichols Institute San Juan Capistrano
Classification: Uncertain significance. Last evaluated: 2021-08-02. Review status: criteria provided, single submitter. Criteria: Quest Diagnostics criteria. Collection method: clinical testing. Allele origin: unknown.

Mendelics
Classification: Uncertain significance for Familial cancer of breast. Last evaluated: 2019-05-28. Review status: criteria provided, single submitter. Criteria: Mendelics Assertion Criteria 2017. Collection method: clinical testing. Allele origin: unknown.

Color Diagnostics, LLC DBA Color Health
Classification: Uncertain significance for Hereditary cancer-predisposing syndrome. Last evaluated: 2019-03-17. Review status: criteria provided, single submitter. Criteria: ACMG Guidelines, 2015. Collection method: clinical testing. Allele origin: germline.

Department of Pathology and Laboratory Medicine, Sinai Health System
Classification: Uncertain significance for Malignant tumor of breast. Review status: no assertion criteria provided. Collection method: clinical testing. Allele origin: unknown. Affected: yes. Study: The Canadian Open Genetics Repository (COGR). Not counted in ClinVar's aggregate classification.
Comment: The BARD1 p.Ser329Cys variant was not identified in the literature nor was it identified in the dbSNP, ClinVar, Clinvitae, Cosmic, MutDB, Zhejiang Colon Cancer Database, databases. The variant was not identified in the 1000 Genomes Project, the NHLBI GO Exome Sequencing Project or the Exome Aggregation Consortium (August 8th 2016) control databases. Although the p.Ser329 residue is not conserved in mammals and other organisms, computational analyses (PolyPhen-2, SIFT, AlignGVGD, BLOSUM, MutationTaster) suggest that the Cys variant may impact the protein. The variant occurs outside of the splicing consensus sequence and in silico or computational prediction software programs (SpliceSiteFinder, MaxEntScan, NNSPLICE, GeneSplicer, HumanSpliceFinder) do not predict a difference in splicing. In summary, based on the above information the clinical significance of this variant cannot be determined with certainty at this time. This variant is classified as a variant of uncertain significance.

Literature cited by the submitters: PubMed 35534704 (cited by Women's Health and Genetics/Laboratory Corporation of America, LabCorp and Labcorp Genetics (formerly Invitae), Labcorp).